The following is an entry in ClinVar:

ClinVar aggregate classification (germline): Uncertain significance (1 of 4 stars; one submission).

Conditions:
Cardiovascular phenotype. Identifiers: MedGen CN230736.

Allele frequency attached by ClinVar (database versions not stated): gnomAD exomes below 0.00001; ExAC 0.00001; gnomAD 0.00001; 1000 Genomes Project 30x 0.00016; 1000 Genomes Project 0.00020.
gnomAD v4.1: 2 of 1,612,202 alleles (0.00012%); highest among the groups gnomAD compares: South Asian, 0.0022%; no homozygotes.

Submission:

Ambry Genetics
Classification: Uncertain significance for Cardiovascular phenotype. Last evaluated: 2021-02-10. Review status: criteria provided, single submitter. Criteria: Ambry Variant Classification Scheme 2023. Collection method: clinical testing. Allele origin: germline.
Comment: The p.V1009A variant (also known as c.3026T>C), located in coding exon 8 of the AKAP9 gene, results from a T to C substitution at nucleotide position 3026. The valine at codon 1009 is replaced by alanine, an amino acid with similar properties. This amino acid position is poorly conserved in available vertebrate species. In addition, this alteration is predicted to be tolerated by in silico analysis. Since supporting evidence is limited at this time, the clinical significance of this alteration remains unclear.

NM_005751.5(AKAP9):c.3026T>C (p.Val1009Ala)

Gene: AKAP9 (A-kinase anchoring protein 9; plus strand). Cytogenetic location: 7q21.2.
Variant type: single nucleotide variant.
Coding change: c.3026T>C on transcript NM_005751.5 (MANE Select); coding-DNA position 3026, T replaced by C.
Protein change: p.Val1009Ala; replaces valine 1009 with alanine.
Molecular consequence: missense variant.
Genome position (GRCh38, 1-based): chr7:92,002,943, T>C. VCF-style: chr7-92002943-T-C. GRCh37 (hg19) VCF-style: chr7-91632257-T-C.
Other names: c.3026T>C, p.Val1009Ala (NM_147185.3); short protein forms V1009A.
Identifiers: ClinVar variation 1798966 (VCV001798966.2), dbSNP rs559598625, ClinGen allele CA4336234.